The following is an entry in ClinVar:

ClinVar aggregate classification (germline): Uncertain significance (1 of 4 stars; one submission).

Allele frequency attached by ClinVar (database versions not stated): ExAC 0.00002; gnomAD exomes 0.00001; TOPMed below 0.00001.
gnomAD v4.1: 8 of 1,613,750 alleles (0.0005%); highest among the groups gnomAD compares: Admixed American, 0.0017%; no homozygotes.

Submission:

Labcorp Genetics (formerly Invitae), Labcorp
Classification: Uncertain significance. Last evaluated: 2022-08-09. Review status: criteria provided, single submitter. Criteria: Invitae Variant Classification Sherloc (09022015). Collection method: clinical testing. Allele origin: germline.
Comment: This sequence change replaces arginine, which is basic and polar, with cysteine, which is neutral and slightly polar, at codon 60 of the PRUNE1 protein (p.Arg60Cys). This variant is present in population databases (rs752265682, gnomAD 0.003%). In summary, the available evidence is currently insufficient to determine the role of this variant in disease. Therefore, it has been classified as a Variant of Uncertain Significance. Algorithms developed to predict the effect of missense changes on protein structure and function (SIFT, PolyPhen-2, Align-GVGD) all suggest that this variant is likely to be disruptive. This variant has not been reported in the literature in individuals affected with PRUNE1-related conditions.

NM_021222.3(PRUNE1):c.178C>T (p.Arg60Cys)

Gene: PRUNE1 (prune exopolyphosphatase 1; plus strand). Cytogenetic location: 1q21.3.
Variant type: single nucleotide variant.
Coding change: c.178C>T on transcript NM_021222.3 (MANE Select); coding-DNA position 178, C replaced by T.
Protein change: p.Arg60Cys; replaces arginine 60 with cysteine.
Molecular consequence: missense variant. On other transcripts: 5 prime UTR variant (1), intron variant (1).
Genome position (GRCh38, 1-based): chr1:151,018,512, C>T. VCF-style: chr1-151018512-C-T. GRCh37 (hg19) VCF-style: chr1-150990988-C-T.
Other names: c.178C>T, p.Arg60Cys (NM_001303242.2); c.-82C>T (NM_001303243.2); c.-212+608C>T (NM_001303229.2); short protein forms R60C.
Identifiers: ClinVar variation 2063572 (VCV002063572.4), dbSNP rs752265682, ClinGen allele CA1083722.